The following is an entry in ClinVar:

NM_000093.5(COL5A1):c.2538G>A (p.Lys846=)

Gene: COL5A1 (collagen type V alpha 1 chain; plus strand). Cytogenetic location: 9q34.3.
Variant type: single nucleotide variant.
Coding change: c.2538G>A on transcript NM_000093.5 (MANE Select); coding-DNA position 2538, G replaced by A.
Protein change: p.Lys846=; no amino-acid change (lysine 846 retained).
Molecular consequence: synonymous variant.
Genome position (GRCh38, 1-based): chr9:134,785,042, G>A. VCF-style: chr9-134785042-G-A. GRCh37 (hg19) VCF-style: chr9-137676888-G-A.
Other names: c.2538G>A, p.Lys846= (NM_001278074.1); c.2538G>A (NM_000093.3).
Identifiers: ClinVar variation 529288 (VCV000529288.16), dbSNP rs751065864, ClinGen allele CA5319443.

ClinVar aggregate classification (germline): Likely benign. Review status: criteria provided, multiple submitters, no conflicts (2 of 4 stars). 3 submissions from 3 submitters: Likely benign (3). Last evaluated 2026-06-01.

Conditions:
Familial thoracic aortic aneurysm and aortic dissection (TAAD). Also called: Thoracic aortic aneurysms and dissections. Identifiers: Orphanet 91387, MedGen C4707243, MONDO:0019625.
Ehlers-Danlos syndrome, classic type, 1 (EDSCL1). Also called: Ehlers-Danlos Syndrome, Classic Type, COL5A1-Related; EDS I; Ehlers-Danlos syndrome, type 1; EHLERS-DANLOS SYNDROME, GRAVIS TYPE; EHLERS-DANLOS SYNDROME, SEVERE CLASSIC TYPE. Identifiers: MedGen C0268335, MONDO:0019567, OMIM 130000.

Allele frequency attached by ClinVar (database versions not stated): gnomAD exomes below 0.00001 and 0.00001; ExAC 0.00002; TOPMed 0.00002.
gnomAD v4.1: 6 of 1,613,470 alleles (0.00037%); highest among the groups gnomAD compares: Admixed American, 0.0017%; no homozygotes.

Submissions (3):

CeGaT Center for Human Genetics Tuebingen
Classification: Likely benign. Last evaluated: 2026-06-01. Review status: criteria provided, single submitter. Criteria: CeGaT Center For Human Genetics Tuebingen Variant Classification Criteria Version 2. Collection method: clinical testing. Allele origin: germline. Affected: yes. Observed: 1 variant allele.
Comment: COL5A1: BP4, BP7

Labcorp Genetics (formerly Invitae), Labcorp
Classification: Likely benign for Ehlers-Danlos syndrome, classic type, 1. Last evaluated: 2025-02-04. Review status: criteria provided, single submitter. Criteria: Invitae Variant Classification Sherloc (09022015). Collection method: clinical testing. Allele origin: germline.

Ambry Genetics
Classification: Likely benign for Familial thoracic aortic aneurysm and aortic dissection. Last evaluated: 2023-05-04. Review status: criteria provided, single submitter. Criteria: Ambry Variant Classification Scheme 2023. Collection method: clinical testing. Allele origin: germline.